The following is an entry in ClinVar:

ClinVar aggregate classification (germline): Pathogenic (1 of 4 stars; one submission).

Conditions:
Methylcobalamin deficiency type cblE (HMAE). Also called: HOMOCYSTINURIA-MEGALOBLASTIC ANEMIA, cblE TYPE; VITAMIN B12-RESPONSIVE HOMOCYSTINURIA, cblE TYPE; HOMOCYSTINURIA-MEGALOBLASTIC ANEMIA, cblE COMPLEMENTATION TYPE. Identifiers: Orphanet 2169, Orphanet 622, MedGen C1856057, MONDO:0009354, OMIM 236270.

Submission:

Labcorp Genetics (formerly Invitae), Labcorp
Classification: Pathogenic for Methylcobalamin deficiency type cblE. Last evaluated: 2022-11-08. Review status: criteria provided, single submitter. Criteria: Invitae Variant Classification Sherloc (09022015). Collection method: clinical testing. Allele origin: germline.
Comment: This variant is not present in population databases (gnomAD no frequency). This sequence change creates a premature translational stop signal (p.Lys350Glufs*25) in the MTRR gene. It is expected to result in an absent or disrupted protein product. Loss-of-function variants in MTRR are known to be pathogenic (PMID: 15714522). This variant has not been reported in the literature in individuals affected with MTRR-related conditions. For these reasons, this variant has been classified as Pathogenic. ClinVar contains an entry for this variant (Variation ID: 1070924).

Literature cited by the submitters: PubMed 15714522.

NM_002454.3(MTRR):c.1048_1049del (p.Lys350fs)

Gene: MTRR (5-methyltetrahydrofolate-homocysteine methyltransferase reductase; plus strand). Cytogenetic location: 5p15.31.
Variant type: Deletion.
Coding change: c.1048_1049del on transcript NM_002454.3 (MANE Select); coding-DNA positions 1048 to 1049, 2 bases deleted (AA; older notation c.1048_1049delAA).
Protein change: p.Lys350fs; shifts the reading frame from lysine 350.
Molecular consequence: frameshift variant. On other transcripts: non-coding transcript variant (14).
Genome position (GRCh38, 1-based): chr5:7,885,845-7,885,846, AA deleted; deleting any 2 consecutive bases within chr5:7,885,844-7,885,846 gives the same sequence; the c. name uses the placement nearest the transcript's 3' end. VCF-style (leftmost placement, unchanged base first): chr5-7885843-CAA-C. GRCh37 (hg19) VCF-style: chr5-7885956-CAA-C.
Other names: c.1048_1049del, p.Lys350fs (NM_001364440.2, NM_001364441.2, NM_001364442.2 and 1 more transcripts); short protein forms K350fs.
Identifiers: ClinVar variation 1070924 (VCV001070924.9), dbSNP rs2126745614, ClinGen allele CA645540910.